The following is an entry in ClinVar:

ClinVar aggregate classification (germline): Conflicting classifications of pathogenicity. Review status: criteria provided, conflicting classifications (1 of 4 stars). 4 submissions from 4 submitters: Likely pathogenic (1); Uncertain significance (2). 1 of the submissions does not count toward it. Last evaluated 2024-11-18.

Conditions:
GJB1-related disorder. Also called: GJB1-related condition; GJB1-related disorders.
Charcot-Marie-Tooth Neuropathy X. Identifiers: MedGen CN118851.
Charcot-Marie-Tooth disease. Also called: Charcot-Marie-Tooth Hereditary Neuropathy; Charcot-Marie-Tooth Neuropathy. Identifiers: Orphanet 166, MedGen C0007959, MONDO:0015626.

Submissions (4):

Labcorp Genetics (formerly Invitae), Labcorp
Classification: Uncertain significance for Charcot-Marie-Tooth Neuropathy X. Last evaluated: 2024-11-18. Review status: criteria provided, single submitter. Criteria: Invitae Variant Classification Sherloc (09022015). Collection method: clinical testing. Allele origin: germline.
Comment: This sequence change replaces valine, which is neutral and non-polar, with phenylalanine, which is neutral and non-polar, at codon 192 of the GJB1 protein (p.Val192Phe). The frequency data for this variant in the population databases is considered unreliable, as metrics indicate poor data quality at this position in the gnomAD database. This missense change has been observed in individual(s) with Charcot-Marie-Tooth disease (PMID: 9818870, 22464564). ClinVar contains an entry for this variant (Variation ID: 447437). Invitae Evidence Modeling of protein sequence and biophysical properties (such as structural, functional, and spatial information, amino acid conservation, physicochemical variation, residue mobility, and thermodynamic stability) has been performed for this missense variant. However, the output from this modeling did not meet the statistical confidence thresholds required to predict the impact of this variant on GJB1 protein function. In summary, the available evidence is currently insufficient to determine the role of this variant in disease. Therefore, it has been classified as a Variant of Uncertain Significance.

Blueprint Genetics
Classification: Likely pathogenic for GJB1-related disorders. Last evaluated: 2021-06-15. Review status: criteria provided, single submitter. Criteria: ACMG Guidelines, 2015. Collection method: clinical testing. Allele origin: germline. Affected: yes. Observed: 1 variant allele.

Athena Diagnostics
Classification: Uncertain significance. Last evaluated: 2017-06-26. Review status: criteria provided, single submitter. Criteria: Athena Diagnostics Criteria. Collection method: clinical testing. Allele origin: germline.

Inherited Neuropathy Consortium
Classification: Uncertain significance for Charcot-Marie-Tooth disease. Review status: no assertion criteria provided. Collection method: literature only. Allele origin: germline. Affected: yes. Not counted in ClinVar's aggregate classification.

Literature cited by the submitters: PubMed 9818870 (cited by 3 submitters); PubMed 22464564 (cited by Labcorp Genetics (formerly Invitae), Labcorp and Athena Diagnostics).

NM_000166.6(GJB1):c.574G>T (p.Val192Phe)

Gene: GJB1 (gap junction protein beta 1; plus strand). Cytogenetic location: Xq13.1.
Variant type: single nucleotide variant.
Coding change: c.574G>T on transcript NM_000166.6 (MANE Select); coding-DNA position 574, G replaced by T.
Protein change: p.Val192Phe; replaces valine 192 with phenylalanine.
Molecular consequence: missense variant.
Genome position (GRCh38, 1-based): chrX:71,224,281, G>T. VCF-style: chrX-71224281-G-T. GRCh37 (hg19) VCF-style: chrX-70444131-G-T.
Other names: c.574G>T, p.Val192Phe (NM_001097642.3); short protein forms V192F.
Identifiers: ClinVar variation 447437 (VCV000447437.5), dbSNP rs771579861, ClinGen allele CA413503209.